The following is an entry in ClinVar:

NM_002705.5(PPL):c.2735A>T (p.Glu912Val)

Gene: PPL (periplakin; minus strand). Cytogenetic location: 16p13.3.
Variant type: single nucleotide variant.
Coding change: c.2735A>T on transcript NM_002705.5 (MANE Select); coding-DNA position 2735, A replaced by T.
Protein change: p.Glu912Val; replaces glutamic acid 912 with valine.
Molecular consequence: missense variant.
Genome position (GRCh38, 1-based): chr16:4,885,920, T>A on the plus strand (A>T on the coding strand, the complement: PPL is on the minus strand). VCF-style: chr16-4885920-T-A. GRCh37 (hg19) VCF-style: chr16-4935921-T-A.
Other names: short protein forms E912V.
Identifiers: ClinVar variation 2646167 (VCV002646167.24), dbSNP rs2506168428, ClinGen allele CA394643667.

ClinVar aggregate classification (germline): Uncertain significance (1 of 4 stars; one submission).

Submission:

CeGaT Center for Human Genetics Tuebingen
Classification: Uncertain significance. Last evaluated: 2023-08-01. Review status: criteria provided, single submitter. Criteria: CeGaT Center For Human Genetics Tuebingen Variant Classification Criteria Version 2. Collection method: clinical testing. Allele origin: germline. Affected: yes. Observed: 1 variant allele.
Comment: PPL: PM2